The following is an entry in ClinVar:

ClinVar aggregate classification (germline): Uncertain significance (1 of 4 stars; one submission).

Conditions:
Urofacial syndrome type 1. Also called: HPSE2-Related Urofacial Syndrome. Identifiers: Orphanet 2704, MedGen CN033872, MONDO:0009368, OMIM 236730.

Allele frequency attached by ClinVar (database versions not stated): TOPMed 0.00011; 1000 Genomes Project 30x 0.00016.
gnomAD v4.1: 122 of 1,613,984 alleles (0.0076%); highest among the groups gnomAD compares: Middle Eastern, 0.15%; no homozygotes.

Submission:

Baylor Genetics
Classification: Uncertain significance for Urofacial syndrome type 1. Last evaluated: 2019-07-23. Review status: criteria provided, single submitter. Criteria: ACMG Guidelines, 2015. Collection method: clinical testing. Allele origin: unknown. Affected: yes.
Comment: This variant was determined to be of uncertain significance according to ACMG Guidelines, 2015 [PMID:25741868].

NM_021828.5(HPSE2):c.55C>T (p.Pro19Ser)

Gene: HPSE2 (heparanase 2 (inactive); minus strand). Cytogenetic location: 10q24.2.
Variant type: single nucleotide variant.
Coding change: c.55C>T on transcript NM_021828.5 (MANE Select); coding-DNA position 55, C replaced by T.
Protein change: p.Pro19Ser; replaces proline 19 with serine.
Molecular consequence: missense variant.
Genome position (GRCh38, 1-based): chr10:99,235,748, G>A on the plus strand (C>T on the coding strand, the complement: HPSE2 is on the minus strand). VCF-style: chr10-99235748-G-A. GRCh37 (hg19) VCF-style: chr10-100995505-G-A.
Other names: c.55C>T, p.Pro19Ser (NM_001166244.1, NM_001166245.1, NM_001166246.1); short protein forms P19S.
Identifiers: ClinVar variation 1030769 (VCV001030769.1), dbSNP rs78935940, ClinGen allele CA5640089.